The following is an entry in ClinVar:

NM_177438.3(DICER1):c.487T>C (p.Tyr163His)

Gene: DICER1 (dicer 1, ribonuclease III; minus strand). Cytogenetic location: 14q32.13.
Variant type: single nucleotide variant.
Coding change: c.487T>C on transcript NM_177438.3 (MANE Select); coding-DNA position 487, T replaced by C.
Protein change: p.Tyr163His; replaces tyrosine 163 with histidine.
Molecular consequence: missense variant. On other transcripts: 5 prime UTR variant (1), non-coding transcript variant (6), intron variant (1).
Genome position (GRCh38, 1-based): chr14:95,130,144, A>G on the plus strand (T>C on the coding strand, the complement: DICER1 is on the minus strand). VCF-style: chr14-95130144-A-G. GRCh37 (hg19) VCF-style: chr14-95596481-A-G.
Other names: c.487T>C, p.Tyr163His (NM_001195573.1, NM_001271282.3, NM_001291628.2 and 15 more transcripts); c.205T>C, p.Tyr69His (NM_001395686.1); c.82T>C, p.Tyr28His (NM_001395687.1, NM_001395688.1, NM_001395689.1 and 3 more transcripts); c.-1082T>C (NM_001395697.1); c.-20-61T>C (NM_001395691.1); short protein forms Y163H, Y28H, Y69H.
Identifiers: ClinVar variation 1743785 (VCV001743785.7), dbSNP rs1274642595, ClinGen allele CA390888513.
Genomic context (GRCh38, chr14:95,130,144, plus strand): 5'-CTAGGATTGCAAGATGACACTCATCAAACACCAAAAGGTTAATGTCTGACAGTGATAAGT[A>G]ACCATTTTTCAAAACATTCAAGGCGACATAGCAAGTCATAATGAGAACCTAAAATAAAAT-3'
Protein context (NP_803187.1, residues 153-173): YVALNVLKNG[Tyr163His]LSLSDINLLV

ClinVar aggregate classification (germline): Conflicting classifications of pathogenicity. Review status: criteria provided, conflicting classifications (1 of 4 stars). 2 submissions from 2 submitters: Uncertain significance (1); Likely benign (1). Last evaluated 2025-10-27.

Conditions:
DICER1-related tumor predisposition. Also called: DICER1 syndrome; DICER1-related pleuropulmonary blastoma cancer predisposition syndrome. Identifiers: Orphanet 284343, MedGen C3839822, MONDO:0100216.
Hereditary cancer-predisposing syndrome. Also called: Neoplastic Syndromes, Hereditary; Tumor predisposition; Hereditary Cancer Syndrome; Hereditary neoplastic syndrome. Identifiers: Orphanet 140162, MedGen C0027672, MeSH D009386, MONDO:0015356.

gnomAD v4.1: 1 of 1,613,386 alleles (0.000062%); highest among the groups gnomAD compares: South Asian, 0.0011%; no homozygotes.

Submissions (2):

Labcorp Genetics (formerly Invitae), Labcorp
Classification: Uncertain significance for DICER1-related tumor predisposition. Last evaluated: 2025-10-27. Review status: criteria provided, single submitter. Criteria: Invitae Variant Classification Sherloc (09022015). Collection method: clinical testing. Allele origin: germline.
Comment: This sequence change replaces tyrosine, which is neutral and polar, with histidine, which is basic and polar, at codon 163 of the DICER1 protein (p.Tyr163His). This variant is present in population databases (no rsID available, gnomAD 0.003%). This variant has not been reported in the literature in individuals affected with DICER1-related conditions. ClinVar contains an entry for this variant (Variation ID: 1743785). Invitae Evidence Modeling of protein sequence and biophysical properties (such as structural, functional, and spatial information, amino acid conservation, physicochemical variation, residue mobility, and thermodynamic stability) indicates that this missense variant is not expected to disrupt DICER1 protein function with a negative predictive value of 95%. In summary, the available evidence is currently insufficient to determine the role of this variant in disease. Therefore, it has been classified as a Variant of Uncertain Significance.

Ambry Genetics
Classification: Likely benign for Hereditary cancer-predisposing syndrome. Last evaluated: 2024-03-11. Review status: criteria provided, single submitter. Criteria: Ambry Variant Classification Scheme 2023. Collection method: clinical testing. Allele origin: germline.